The following is an entry in ClinVar:

NM_000443.4(ABCB4):c.430C>T (p.Arg144Ter)

Gene: ABCB4 (ATP binding cassette subfamily B member 4; minus strand). Cytogenetic location: 7q21.12.
Variant type: single nucleotide variant.
Coding change: c.430C>T on transcript NM_000443.4 (MANE Select); coding-DNA position 430, C replaced by T.
Protein change: p.Arg144Ter; replaces arginine 144 with a stop codon.
Molecular consequence: nonsense.
Genome position (GRCh38, 1-based): chr7:87,453,050, G>A on the plus strand (C>T on the coding strand, the complement: ABCB4 is on the minus strand). VCF-style: chr7-87453050-G-A. GRCh37 (hg19) VCF-style: chr7-87082366-G-A.
Other names: c.430C>T, p.Arg144Ter (NM_018849.3, NM_018850.3); c.430C>T (NM_018849.2); short protein forms R144*.
Identifiers: ClinVar variation 13696 (VCV000013696.11), dbSNP rs72552780, ClinGen allele CA123368.

ClinVar aggregate classification (germline): Pathogenic. Review status: criteria provided, multiple submitters, no conflicts (2 of 4 stars). 5 submissions from 5 submitters: Pathogenic (4). 1 of the submissions does not count toward it. Last evaluated 2026-06-05.

Conditions:
Familial intrahepatic cholestasis. Identifiers: Orphanet 284385, MedGen CN296401, MONDO:0017290.
ABCB4-related disorder. Also called: ABCB4-related disorders; ABCB4-related condition.
Cholestasis, intrahepatic, of pregnancy, 3. Identifiers: Orphanet 69665, MedGen C3554241, MONDO:0013995, OMIM 614972.
Progressive familial intrahepatic cholestasis type 3. Also called: Low Gamma-GT Familial Intrahepatic Cholestasis; MDR3 DEFICIENCY. Identifiers: Orphanet 79305, MedGen C1865643, MONDO:0011214, OMIM 602347.

Allele frequency attached by ClinVar (database versions not stated): gnomAD 0.00001; gnomAD exomes 0.00001; ExAC 0.00002; TOPMed 0.00002.
gnomAD v4.1: 6 of 1,613,632 alleles (0.00037%); highest among the groups gnomAD compares: Middle Eastern, 0.016%; no homozygotes.

Submissions (5):

PreventionGenetics, part of Exact Sciences
Classification: Pathogenic for ABCB4-related condition. Last evaluated: 2026-06-05. Review status: criteria provided, single submitter. Criteria: ACMG Guidelines, 2015. Collection method: clinical testing. Allele origin: germline.
Comment: The ABCB4 c.430C>T variant is predicted to result in premature protein termination (p.Arg144*). This variant has been reported in the heterozygous state in association with cholestasis in the literature (Gendrot et al. 2003. PubMed ID: 12624161; Gordo-Gilart et al. 2016. PubMed ID: 26153658). This variant is reported in 0.0062% of alleles in individuals of African descent in gnomAD. Nonsense variants in ABCB4 are expected to be pathogenic. This variant is interpreted as pathogenic.

Genomenon, Inc
Classification: Pathogenic for Familial intrahepatic cholestasis. Last evaluated: 2026-04-14. Review status: criteria provided, single submitter. Criteria: Genomenon Sequence Variant Interpretation Standards - Updated. Collection method: curation. Allele origin: germline. Affected: yes.
Comment: ABCB4 p.Arg144Ter (c.430C>T) is a nonsense variant that introduces a premature stop codon at amino acid position 144, creating a truncated protein that is predicted to undergo nonsense-mediated mRNA decay. This variant has been observed in at least one proband with an ABCB4-related disorder (PMID:41165782;12624161). It is absent or not present at a significant frequency in gnomAD. In conclusion, we classify ABCB4 p.Arg144Ter (c.430C>T) as a pathogenic variant.

Labcorp Genetics (formerly Invitae), Labcorp
Classification: Pathogenic. Last evaluated: 2023-06-09. Review status: criteria provided, single submitter. Criteria: Invitae Variant Classification Sherloc (09022015). Collection method: clinical testing. Allele origin: germline.
Comment: This variant is present in population databases (rs72552780, gnomAD 0.007%). For these reasons, this variant has been classified as Pathogenic. ClinVar contains an entry for this variant (Variation ID: 13696). This premature translational stop signal has been observed in individual(s) with ABCB4-related conditions (PMID: 12624161, 26153658). This sequence change creates a premature translational stop signal (p.Arg144*) in the ABCB4 gene. It is expected to result in an absent or disrupted protein product. Loss-of-function variants in ABCB4 are known to be pathogenic (PMID: 17726488, 25755532).

Rolfs Rare Disease Consulting, Rolfs Consulting Und Verwaltungs GmbH
Classification: Pathogenic for Progressive familial intrahepatic cholestasis type 3. Last evaluated: 2022-01-01. Review status: criteria provided, single submitter. Criteria: ACMG Guidelines, 2015. Collection method: clinical testing. Allele origin: germline. Affected: yes.

OMIM
Classification: Pathogenic for CHOLESTASIS, INTRAHEPATIC, OF PREGNANCY, 3. Last evaluated: 2009-10-01. Review status: no assertion criteria provided. Collection method: literature only. Allele origin: germline. Not counted in ClinVar's aggregate classification.

Literature cited by the submitters: PubMed 41165782 (cited by Genomenon, Inc); PubMed 12624161 (cited by Genomenon, Inc and Labcorp Genetics (formerly Invitae), Labcorp); PubMed 26153658 (cited by Labcorp Genetics (formerly Invitae), Labcorp); PubMed 17726488 (cited by Labcorp Genetics (formerly Invitae), Labcorp); PubMed 25755532 (cited by Labcorp Genetics (formerly Invitae), Labcorp); PubMed 19584064 (cited by OMIM).